The following is an entry in ClinVar:

ClinVar aggregate classification (germline): Uncertain significance (1 of 4 stars; one submission).

Submission:

Labcorp Genetics (formerly Invitae), Labcorp
Classification: Uncertain significance. Last evaluated: 2022-08-24. Review status: criteria provided, single submitter. Criteria: Invitae Variant Classification Sherloc (09022015). Collection method: clinical testing. Allele origin: germline.
Comment: In summary, the available evidence is currently insufficient to determine the role of this variant in disease. Therefore, it has been classified as a Variant of Uncertain Significance. Algorithms developed to predict the effect of missense changes on protein structure and function output the following: SIFT: "Tolerated"; PolyPhen-2: "Benign"; Align-GVGD: "Class C0". The serine amino acid residue is found in multiple mammalian species, which suggests that this missense change does not adversely affect protein function. This variant has not been reported in the literature in individuals affected with GMNN-related conditions. This variant is not present in population databases (gnomAD no frequency). This sequence change replaces threonine, which is neutral and polar, with serine, which is neutral and polar, at codon 82 of the GMNN protein (p.Thr82Ser).

NM_015895.5(GMNN):c.245C>G (p.Thr82Ser)

Gene: GMNN (geminin DNA replication inhibitor; plus strand). Cytogenetic location: 6p22.3.
Variant type: single nucleotide variant.
Coding change: c.245C>G on transcript NM_015895.5 (MANE Select); coding-DNA position 245, C replaced by G.
Protein change: p.Thr82Ser; replaces threonine 82 with serine.
Molecular consequence: missense variant.
Genome position (GRCh38, 1-based): chr6:24,781,592, C>G. VCF-style: chr6-24781592-C-G. GRCh37 (hg19) VCF-style: chr6-24781820-C-G.
Other names: c.245C>G, p.Thr82Ser (NM_001251989.2, NM_001251990.2, NM_001251991.1); short protein forms T82S.
Identifiers: ClinVar variation 1716628 (VCV001716628.5), dbSNP rs1004696853, ClinGen allele CA136177341.